The following is an entry in ClinVar:

ClinVar aggregate classification (germline): Uncertain significance (1 of 4 stars; one submission).

gnomAD v4.1: 4 of 1,611,058 alleles (0.00025%); highest among the groups gnomAD compares: Non-Finnish European, 0.00034%; no homozygotes.

Submissions (2):

Labcorp Genetics (formerly Invitae), Labcorp
Classification: Uncertain significance. Last evaluated: 2025-08-04. Review status: criteria provided, single submitter. Criteria: Invitae Variant Classification Sherloc (09022015). Collection method: clinical testing. Allele origin: germline.
Comment: This sequence change replaces arginine, which is basic and polar, with tryptophan, which is neutral and slightly polar, at codon 381 of the LONP1 protein (p.Arg381Trp). The frequency data for this variant in the population databases is considered unreliable, as metrics indicate poor data quality at this position in the gnomAD database. This variant has not been reported in the literature in individuals affected with LONP1-related conditions. Invitae Evidence Modeling of protein sequence and biophysical properties (such as structural, functional, and spatial information, amino acid conservation, physicochemical variation, residue mobility, and thermodynamic stability) has been performed for this missense variant. However, the output from this modeling did not meet the statistical confidence thresholds required to predict the impact of this variant on LONP1 protein function. In summary, the available evidence is currently insufficient to determine the role of this variant in disease. Therefore, it has been classified as a Variant of Uncertain Significance.

Dr. Peter K. Rogan Lab, Western University
No classification provided (evidence only). Condition: Melanoma. Review status: no classification provided. Collection method: in vitro. Allele origin: not applicable. Functional consequence: retained intron. Not counted in ClinVar's aggregate classification.

NM_004793.4(LONP1):c.1141C>T (p.Arg381Trp)

Gene: LONP1 (lon peptidase 1, mitochondrial; minus strand). Cytogenetic location: 19p13.3.
Variant type: single nucleotide variant.
Coding change: c.1141C>T on transcript NM_004793.4 (MANE Select); coding-DNA position 1141, C replaced by T.
Protein change: p.Arg381Trp; replaces arginine 381 with tryptophan.
Molecular consequence: missense variant. On other transcripts: non-coding transcript variant (1).
Genome position (GRCh38, 1-based): chr19:5,707,065, G>A on the plus strand (C>T on the coding strand, the complement: LONP1 is on the minus strand). VCF-style: chr19-5707065-G-A. GRCh37 (hg19) VCF-style: chr19-5707076-G-A.
Other names: NC_000019.9:g.5707076G>A; c.949C>T, p.Arg317Trp (NM_001276479.2); c.553C>T, p.Arg185Trp (NM_001276480.1); short protein forms R317W, R185W, R381W.
Identifiers: ClinVar variation 4445593 (VCV004445593.2).